The following is an entry in ClinVar:

ClinVar aggregate classification (germline): Pathogenic/Likely pathogenic. Review status: criteria provided, multiple submitters, no conflicts (2 of 4 stars). 2 submissions from 2 submitters: Pathogenic (1); Likely pathogenic (1). Last evaluated 2025-10-20.

Conditions:
Hypertrophic cardiomyopathy 4. Also called: Familial hypertrophic cardiomyopathy 4. Identifiers: MedGen C1861862, MONDO:0007268, OMIM 115197.

Submissions (2):

3billion
Classification: Pathogenic for Hypertrophic cardiomyopathy 4. Last evaluated: 2025-10-20. Review status: criteria provided, single submitter. Criteria: ACMG Guidelines, 2015. Collection method: clinical testing. Allele origin: germline. Affected: yes.
Comment: The variant is not observed in the gnomAD v4.1.0 dataset. Predicted Consequence/Location: Frameshift: predicted to result in a loss or disruption of normal protein function through nonsense-mediated decay (NMD) or protein truncation. Multiple pathogenic variants are reported downstream of the variant. The variant has been reported to be associated with MYBPC3-related disorder (ClinVar ID: VCV001333568 /PMID: 32380161 /3billion dataset). Therefore, this variant is classified as Pathogenic according to the recommendation of ACMG/AMP guideline.

GeneDx
Classification: Likely pathogenic. Last evaluated: 2025-04-22. Review status: criteria provided, single submitter. Criteria: GeneDx Variant Classification Process June 2021. Collection method: clinical testing. Allele origin: germline. Affected: yes.
Comment: Identified in patients with HCM in published literature (PMID: 32380161, 32492895); Frameshift variant predicted to result in protein truncation or nonsense mediated decay in a gene for which loss of function is a known mechanism of disease; Not observed at significant frequency in large population cohorts (gnomAD); This variant is associated with the following publications: (PMID: 12204010, 15128704, 32380161, 32492895, 33658040, 33407484)

Literature cited by the submitters: PubMed 32380161 (cited by 3billion).

NM_000256.3(MYBPC3):c.86del (p.Phe29fs)

Gene: MYBPC3 (myosin binding protein C3; minus strand). Cytogenetic location: 11p11.2.
Variant type: Deletion.
Coding change: c.86del on transcript NM_000256.3 (MANE Select); coding-DNA position 86, one base deleted (T; older notation c.86delT).
Protein change: p.Phe29fs; shifts the reading frame from phenylalanine 29.
Molecular consequence: frameshift variant.
Genome position (GRCh38, 1-based): chr11:47,351,445, A deleted on the plus strand (T on the coding strand, the reverse complement: MYBPC3 is on the minus strand); the first of 2 consecutive A bases (chr11:47,351,445-47,351,446); deleting either gives the same sequence. VCF-style (leftmost placement, unchanged base first): chr11-47351444-GA-G. GRCh37 (hg19) VCF-style: chr11-47372995-GA-G.
Other names: short protein forms F29fs.
Identifiers: ClinVar variation 1333568 (VCV001333568.7), dbSNP rs2142869802, ClinGen allele CA915940867.